The following is an entry in ClinVar:

NM_001353921.2(ARHGEF9):c.1420T>C (p.Ser474Pro)

Gene: ARHGEF9 (Cdc42 guanine nucleotide exchange factor 9; minus strand). Cytogenetic location: Xq11.1.
Variant type: single nucleotide variant.
Coding change: c.1420T>C on transcript NM_001353921.2 (MANE Select); coding-DNA position 1420, T replaced by C.
Protein change: p.Ser474Pro; replaces serine 474 with proline.
Molecular consequence: missense variant. On other transcripts: 3 prime UTR variant (2).
Genome position (GRCh38, 1-based): chrX:63,638,180, A>G on the plus strand (T>C on the coding strand, the complement: ARHGEF9 is on the minus strand). VCF-style: chrX-63638180-A-G. GRCh37 (hg19) VCF-style: chrX-62858060-A-G.
Other names: c.1240T>C, p.Ser414Pro (NM_001173479.2); c.1093T>C, p.Ser365Pro (NM_001173480.2, NM_001369042.1); c.1336T>C, p.Ser446Pro (NM_001330495.2, NM_001369033.1, NM_001369034.1 and 4 more transcripts); c.1288T>C, p.Ser430Pro (NM_001353922.2); c.1438T>C, p.Ser480Pro (NM_001353923.1); c.1219T>C, p.Ser407Pro (NM_001353924.2, NM_001353926.2, NM_001369039.1 and 1 more transcripts); c.1204T>C, p.Ser402Pro (NM_001353927.2, NM_001369041.1); c.1267T>C, p.Ser423Pro (NM_001353928.2); and 3 more; short protein forms S467P, S414P, S446P, S365P, S402P, S407P, S423P, S474P.
Identifiers: ClinVar variation 465077 (VCV000465077.9), dbSNP rs1556301359, ClinGen allele CA413401353.

ClinVar aggregate classification (germline): Uncertain significance (1 of 4 stars; one submission).

Conditions:
Developmental and epileptic encephalopathy, 8 (DEE8). Also called: HYPEREKPLEXIA AND EPILEPSY. Identifiers: Orphanet 163985, Orphanet 2076, MedGen C1845102, MONDO:0010375, OMIM 300607.

Submission:

Labcorp Genetics (formerly Invitae), Labcorp
Classification: Uncertain significance for Developmental and epileptic encephalopathy, 8. Last evaluated: 2022-07-05. Review status: criteria provided, single submitter. Criteria: Invitae Variant Classification Sherloc (09022015). Collection method: clinical testing. Allele origin: germline.
Comment: In summary, the available evidence is currently insufficient to determine the role of this variant in disease. Therefore, it has been classified as a Variant of Uncertain Significance. Algorithms developed to predict the effect of missense changes on protein structure and function are either unavailable or do not agree on the potential impact of this missense change (SIFT: "Deleterious"; PolyPhen-2: "Benign"; Align-GVGD: "Class C0"). ClinVar contains an entry for this variant (Variation ID: 465077). This variant has not been reported in the literature in individuals affected with ARHGEF9-related conditions. This variant is not present in population databases (gnomAD no frequency). This sequence change replaces serine, which is neutral and polar, with proline, which is neutral and non-polar, at codon 467 of the ARHGEF9 protein (p.Ser467Pro).